The following is an entry in ClinVar:

ClinVar aggregate classification (germline): Pathogenic (1 of 4 stars; one submission).

Submission:

Labcorp Genetics (formerly Invitae), Labcorp
Classification: Pathogenic. Last evaluated: 2023-03-04. Review status: criteria provided, single submitter. Criteria: Invitae Variant Classification Sherloc (09022015). Collection method: clinical testing. Allele origin: germline.
Comment: For these reasons, this variant has been classified as Pathogenic. This variant disrupts a region of the ZNF469 protein in which other variant(s) (p.Pro3556Glnfs*136) have been determined to be pathogenic (PMID: 32671420). This suggests that this is a clinically significant region of the protein, and that variants that disrupt it are likely to be disease-causing. This variant has not been reported in the literature in individuals affected with ZNF469-related conditions. This variant is not present in population databases (gnomAD no frequency). This sequence change creates a premature translational stop signal (p.Thr1553Valfs*157) in the ZNF469 gene. While this is not anticipated to result in nonsense mediated decay, it is expected to disrupt the last 2373 amino acid(s) of the ZNF469 protein.

Literature cited by the submitters: PubMed 32671420.

NM_001367624.2(ZNF469):c.4741_4744del (p.Thr1581fs)

Gene: ZNF469 (zinc finger protein 469; plus strand). Cytogenetic location: 16q24.2.
Variant type: Microsatellite.
Coding change: c.4741_4744del on transcript NM_001367624.2 (MANE Select); coding-DNA positions 4741 to 4744, 4 bases deleted (ACAC; older notation c.4741_4744delACAC).
Protein change: p.Thr1581fs; shifts the reading frame from threonine 1581.
Molecular consequence: frameshift variant.
Genome position (GRCh38, 1-based): chr16:88,432,211-88,432,214, ACAC deleted; deleting any 4 consecutive bases within chr16:88,432,209-88,432,214 gives the same sequence; the c. name uses the placement nearest the transcript's 3' end. VCF-style (leftmost placement, unchanged base first): chr16-88432208-GACAC-G. GRCh37 (hg19) VCF-style: chr16-88498616-GACAC-G.
Other names: short protein forms T1581fs.
Identifiers: ClinVar variation 2842869 (VCV002842869.3), dbSNP rs2507588444, ClinGen allele CA2739266943.
Genomic context (GRCh38, chr16:88,432,208, plus strand): 5'-GATGAACTGGAGATCCAGAAATTGGTCACCGAATTAGAAAGTCAGCTGCAAAGGAGCAAA[GACAC>G]ACGTGGGGCCCCGAGAGAGCTTGCAGAAGCTGAGTCGGTGGGCAGGGTGGAGCTCGGCAC-3'